The following is an entry in ClinVar:

ClinVar aggregate classification (germline): Uncertain significance (1 of 4 stars; one submission).

Conditions:
GRIA1-related disorder. Also called: GRIA1-related condition.

Submission:

PreventionGenetics, part of Exact Sciences
Classification: Uncertain significance for GRIA1-related condition. Last evaluated: 2023-05-17. Review status: criteria provided, single submitter. Criteria: ACMG Guidelines, 2015. Collection method: clinical testing. Allele origin: germline.
Comment: The GRIA1 c.952G>C variant is predicted to result in the amino acid substitution p.Gly318Arg. To our knowledge, this variant has not been reported in the literature or in a large population database, indicating this variant is rare. At this time, the clinical significance of this variant is uncertain due to the absence of conclusive functional and genetic evidence.

NM_000827.4(GRIA1):c.952G>C (p.Gly318Arg)

Gene: GRIA1 (glutamate ionotropic receptor AMPA type subunit 1; plus strand). Cytogenetic location: 5q33.2.
Variant type: single nucleotide variant.
Coding change: c.952G>C on transcript NM_000827.4 (MANE Select); coding-DNA position 952, G replaced by C.
Protein change: p.Gly318Arg; replaces glycine 318 with arginine.
Molecular consequence: missense variant. On other transcripts: non-coding transcript variant (2), intron variant (1).
Genome position (GRCh38, 1-based): chr5:153,677,084, G>C. VCF-style: chr5-153677084-G-C. GRCh37 (hg19) VCF-style: chr5-153056644-G-C.
Other names: c.952G>C, p.Gly318Arg (NM_001114183.2); c.712G>C, p.Gly238Arg (NM_001258019.2); c.667G>C, p.Gly223Arg (NM_001258020.2); c.982G>C, p.Gly328Arg (NM_001258021.2, NM_001258022.2); c.745G>C, p.Gly249Arg (NM_001258023.1, NM_001364167.2); c.979G>C, p.Gly327Arg (NM_001364166.2); c.861+2423G>C (NM_001364165.2); short protein forms G223R, G238R, G249R, G318R, G327R, G328R.
Identifiers: ClinVar variation 2634139 (VCV002634139.1), dbSNP rs1260058598, ClinGen allele CA361902561.